The following is an entry in ClinVar:

NM_022552.5(DNMT3A):c.2395C>T (p.Pro799Ser)

Gene: DNMT3A (DNA methyltransferase 3 alpha; minus strand). Cytogenetic location: 2p23.3.
Variant type: single nucleotide variant.
Coding change: c.2395C>T on transcript NM_022552.5 (MANE Select); coding-DNA position 2395, C replaced by T.
Protein change: p.Pro799Ser; replaces proline 799 with serine.
Molecular consequence: missense variant. On other transcripts: non-coding transcript variant (1).
Genome position (GRCh38, 1-based): chr2:25,239,143, G>A on the plus strand (C>T on the coding strand, the complement: DNMT3A is on the minus strand). VCF-style: chr2-25239143-G-A. GRCh37 (hg19) VCF-style: chr2-25462012-G-A.
Other names: c.1939C>T, p.Pro647Ser (NM_001320893.1); c.1726C>T, p.Pro576Ser (NM_001375819.1); c.1828C>T, p.Pro610Ser (NM_153759.3); c.2395C>T, p.Pro799Ser (NM_175629.2); short protein forms P576S, P610S, P647S, P799S.
Identifiers: ClinVar variation 4882018 (VCV004882018.2).
Genomic context (GRCh38, chr2:25,239,143, plus strand): 5'-CTGCAGTCCCAGCCCACAGCCCCCCAGGCCCAGGAGCTTTCACCAACCTGTTCATACCGG[G>A]AAGGTTACCCCAGAAGTAGCGGGCCCTGTGTGCAGCTGACACTTCTTTGGCATCAATCAT-3'
Protein context (NP_072046.2, residues 789-809): HRARYFWGNL[Pro799Ser]GMNRPLASTV

ClinVar aggregate classification (germline): Uncertain significance (1 of 4 stars; one submission).

gnomAD v4.1: 4 of 1,613,986 alleles (0.00025%); highest among the groups gnomAD compares: Non-Finnish European, 0.00034%; no homozygotes.

Submission:

Dasa
Classification: Uncertain significance. Last evaluated: 2026-03-05. Review status: criteria provided, single submitter. Criteria: DASA Assertion Criteria. Collection method: clinical testing. Allele origin: germline.
Comment: NM_022552.5(DNMT3A):c.2395C>T (p.Pro799Ser) is a missense variant that results in the substitution of proline with serine. The affected residue or protein region has prior evidence supporting clinical relevance. This variant has been recurrently observed in individuals with DNMT3A-related disorders (PMID: 33500526; PMID: 33252848; PMID: 29197855). Also, this variant is rare in population databases. Computational prediction algorithms are consistent with a deleterious effect. The currently available literature and clinical evidence are not sufficient to establish a definitive association between this variant and the reported condition. Therefore, this variant is classified as a variant of uncertain significance.

Literature cited by the submitters: PubMed 33500526; PubMed 33252848; PubMed 29197855.